The following is an entry in ClinVar:

ClinVar aggregate classification (germline): Likely benign. Review status: criteria provided, multiple submitters, no conflicts (2 of 4 stars). 3 submissions from 3 submitters: Likely benign (3). Last evaluated 2026-02-01.

Conditions:
Progressive encephalopathy with leukodystrophy due to DECR deficiency. Identifiers: Orphanet 431361, MedGen C1857252, MONDO:0014464, OMIM 616034.

Allele frequency attached by ClinVar (database versions not stated): ExAC 0.00002; gnomAD exomes 0.00003; TOPMed 0.00003.
gnomAD v4.1: 24 of 1,613,650 alleles (0.0015%); highest among the groups gnomAD compares: Middle Eastern, 0.033%; no homozygotes.

Submissions (3):

CeGaT Center for Human Genetics Tuebingen
Classification: Likely benign. Last evaluated: 2026-02-01. Review status: criteria provided, single submitter. Criteria: CeGaT Center For Human Genetics Tuebingen Variant Classification Criteria Version 2. Collection method: clinical testing. Allele origin: germline. Affected: yes. Observed: 1 variant allele.
Comment: NADK2: BP4, BP7

Labcorp Genetics (formerly Invitae), Labcorp
Classification: Likely benign for Progressive encephalopathy with leukodystrophy due to DECR deficiency. Last evaluated: 2022-08-09. Review status: criteria provided, single submitter. Criteria: Invitae Variant Classification Sherloc (09022015). Collection method: clinical testing. Allele origin: germline.

GeneDx
Classification: Likely benign. Last evaluated: 2016-11-23. Review status: criteria provided, single submitter. Criteria: GeneDx Variant Classification (06012015). Collection method: clinical testing. Allele origin: germline. Affected: yes.
Comment: This variant is considered likely benign or benign based on one or more of the following criteria: it is a conservative change, it occurs at a poorly conserved position in the protein, it is predicted to be benign by multiple in silico algorithms, and/or has population frequency not consistent with disease.

NM_001085411.3(NADK2):c.822A>T (p.Ala274=)

Gene: NADK2 (NAD kinase 2, mitochondrial; minus strand). Cytogenetic location: 5p13.2.
Variant type: single nucleotide variant.
Coding change: c.822A>T on transcript NM_001085411.3 (MANE Select); coding-DNA position 822, A replaced by T.
Protein change: p.Ala274=; no amino-acid change (alanine 274 retained).
Molecular consequence: synonymous variant.
Genome position (GRCh38, 1-based): chr5:36,211,882, T>A on the plus strand (A>T on the coding strand, the complement: NADK2 is on the minus strand). VCF-style: chr5-36211882-T-A. GRCh37 (hg19) VCF-style: chr5-36211984-T-A.
Other names: c.333A>T, p.Ala111= (NM_001287340.2, NM_001287341.2, NM_153013.5).
Identifiers: ClinVar variation 391088 (VCV000391088.9), dbSNP rs775964053, ClinGen allele CA3234598.